The following is an entry in ClinVar:

ClinVar aggregate classification (germline): Likely pathogenic (1 of 4 stars; one submission).

Conditions:
Duchenne muscular dystrophy (DMD). Also called: MUSCULAR DYSTROPHY, PSEUDOHYPERTROPHIC PROGRESSIVE, DUCHENNE TYPE; Duchenne Muscular Dystrophy (DMD). Identifiers: Orphanet 98896, MedGen C0013264, MONDO:0010679, OMIM 310200.

Submission:

Labcorp Genetics (formerly Invitae), Labcorp
Classification: Likely pathogenic for Duchenne muscular dystrophy. Last evaluated: 2022-08-04. Review status: criteria provided, single submitter. Criteria: Invitae Variant Classification Sherloc (09022015). Collection method: clinical testing. Allele origin: germline.
Comment: In summary, the currently available evidence indicates that the variant is pathogenic, but additional data are needed to prove that conclusively. Therefore, this variant has been classified as Likely Pathogenic. Algorithms developed to predict the effect of sequence changes on RNA splicing suggest that this variant may disrupt the consensus splice site. Disruption of this splice site has been observed in individual(s) with clinical features of DMD related conditions (PMID: 32559196). This variant is not present in population databases (gnomAD no frequency). This sequence change affects an acceptor splice site in intron 49 of the DMD gene. It is expected to disrupt RNA splicing. Variants that disrupt the donor or acceptor splice site typically lead to a loss of protein function (PMID: 16199547), and loss-of-function variants in DMD are known to be pathogenic (PMID: 16770791, 25007885).

Literature cited by the submitters: PubMed 32559196; PubMed 16199547; PubMed 16770791; PubMed 25007885.

NM_004006.3(DMD):c.7201-1G>C

Gene: DMD (dystrophin; minus strand). Cytogenetic location: Xp21.1.
Variant type: single nucleotide variant.
Coding change: c.7201-1G>C on transcript NM_004006.3 (MANE Select); the canonical splice acceptor site of the intron before coding-DNA position 7201, G replaced by C.
Molecular consequence: splice acceptor variant.
Genome position (GRCh38, 1-based): chrX:31,820,084, C>G on the plus strand (G>C on the coding strand, the complement: DMD is on the minus strand). VCF-style: chrX-31820084-C-G. GRCh37 (hg19) VCF-style: chrX-31838201-C-G.
Other names: c.7177-1G>C (NM_000109.4); c.3178-1G>C (NM_004011.4); c.3169-1G>C (NM_004012.4); c.-180-1G>C (NM_004023.3, NM_004020.4, NM_004022.3 and 2 more transcripts); c.7189-1G>C (NM_004009.3); c.6832-1G>C (NM_004010.3).
Identifiers: ClinVar variation 1929571 (VCV001929571.5), dbSNP rs2531584092, ClinGen allele CA412658824.